The following is an entry in ClinVar:

NM_031844.3(HNRNPU):c.568C>G (p.Pro190Ala)

Gene: HNRNPU (heterogeneous nuclear ribonucleoprotein U; minus strand). Cytogenetic location: 1q44.
Variant type: single nucleotide variant.
Coding change: c.568C>G on transcript NM_031844.3 (MANE Select); coding-DNA position 568, C replaced by G.
Protein change: p.Pro190Ala; replaces proline 190 with alanine.
Molecular consequence: missense variant.
Genome position (GRCh38, 1-based): chr1:244,863,740, G>C on the plus strand (C>G on the coding strand, the complement: HNRNPU is on the minus strand). VCF-style: chr1-244863740-G-C. GRCh37 (hg19) VCF-style: chr1-245027042-G-C.
Other names: c.568C>G, p.Pro190Ala (NM_004501.3); short protein forms P190A.
Identifiers: ClinVar variation 1081511 (VCV001081511.11), dbSNP rs1680921689, ClinGen allele CA345496510.

ClinVar aggregate classification (germline): Conflicting classifications of pathogenicity. Review status: criteria provided, conflicting classifications (1 of 4 stars). 2 submissions from 2 submitters: Uncertain significance (1); Likely benign (1). Last evaluated 2023-08-08.

Conditions:
Developmental and epileptic encephalopathy, 54. Also called: Epileptic encephalopathy, early infantile, 54; HNRNPU-Related Neurodevelopmental Disorder. Identifiers: MedGen C4479319, MONDO:0033363, OMIM 617391.
Inborn genetic diseases. Identifiers: MedGen C0950123, MeSH D030342.

Allele frequency attached by ClinVar (database versions not stated): gnomAD exomes 0.00002.

Submissions (2):

Labcorp Genetics (formerly Invitae), Labcorp
Classification: Likely benign for Developmental and epileptic encephalopathy, 54. Last evaluated: 2023-08-08. Review status: criteria provided, single submitter. Criteria: Invitae Variant Classification Sherloc (09022015). Collection method: clinical testing. Allele origin: germline.

Ambry Genetics
Classification: Uncertain significance for Inborn genetic diseases. Last evaluated: 2019-06-06. Review status: criteria provided, single submitter. Criteria: Ambry Variant Classification Scheme 2023. Collection method: clinical testing. Allele origin: germline.
Comment: The p.P190A variant (also known as c.568C>G), located in coding exon 1 of the HNRNPU gene, results from a C to G substitution at nucleotide position 568. The proline at codon 190 is replaced by alanine, an amino acid with highly similar properties. This amino acid position is highly conserved in available vertebrate species. In addition, this alteration is predicted to be tolerated by in silico analysis. Since supporting evidence is limited at this time, the clinical significance of this alteration remains unclear.